The following is an entry in ClinVar:

ClinVar aggregate classification (germline): Uncertain significance (1 of 4 stars; one submission).

Allele frequency attached by ClinVar (database versions not stated): gnomAD 0.00003; gnomAD exomes 0.00003; ExAC 0.00005; TOPMed 0.00006.
gnomAD v4.1: 48 of 1,613,036 alleles (0.003%); highest among the groups gnomAD compares: Middle Eastern, 0.066%; no homozygotes.

Submission:

Labcorp Genetics (formerly Invitae), Labcorp
Classification: Uncertain significance. Last evaluated: 2022-01-08. Review status: criteria provided, single submitter. Criteria: Invitae Variant Classification Sherloc (09022015). Collection method: clinical testing. Allele origin: germline.
Comment: This sequence change replaces cysteine, which is neutral and slightly polar, with tyrosine, which is neutral and polar, at codon 35 of the TMCO1 protein (p.Cys35Tyr). In summary, the available evidence is currently insufficient to determine the role of this variant in disease. Therefore, it has been classified as a Variant of Uncertain Significance. Algorithms developed to predict the effect of missense changes on protein structure and function are either unavailable or do not agree on the potential impact of this missense change (SIFT: "Deleterious"; PolyPhen-2: "Benign"; Align-GVGD: "Class C0"). This variant has not been reported in the literature in individuals affected with TMCO1-related conditions. This variant is present in population databases (rs765112121, gnomAD 0.007%).

NM_019026.6(TMCO1):c.-50G>A

Gene: TMCO1 (transmembrane and coiled-coil domains 1; minus strand). Cytogenetic location: 1q24.1.
Variant type: single nucleotide variant.
Coding change: c.-50G>A on transcript NM_019026.6 (MANE Select); 50 bases upstream of the start codon, G replaced by A.
Molecular consequence: 5 prime UTR variant. On other transcripts: missense variant (1), non-coding transcript variant (1).
Genome position (GRCh38, 1-based): chr1:165,768,801, C>T on the plus strand (G>A on the coding strand, the complement: TMCO1 is on the minus strand). VCF-style: chr1-165768801-C-T. GRCh37 (hg19) VCF-style: chr1-165738038-C-T.
Other names: c.104G>A, p.Cys35Tyr (NM_001256164.1); c.-286G>A (NM_001256165.1); short protein forms C35Y.
Identifiers: ClinVar variation 2063507 (VCV002063507.4), dbSNP rs765112121, ClinGen allele CA1221812.